The following is an entry in ClinVar:

ClinVar aggregate classification (germline): Pathogenic (1 of 4 stars; one submission).

Conditions:
Hereditary cancer-predisposing syndrome. Also called: Tumor predisposition; Neoplastic Syndromes, Hereditary; Hereditary Cancer Syndrome; Hereditary neoplastic syndrome. Identifiers: Orphanet 140162, MedGen C0027672, MeSH D009386, MONDO:0015356.

Submission:

Ambry Genetics
Classification: Pathogenic for Hereditary cancer-predisposing syndrome. Last evaluated: 2024-07-29. Review status: criteria provided, single submitter. Criteria: Ambry Variant Classification Scheme 2023. Collection method: clinical testing. Allele origin: germline.
Comment: The c.2211delA pathogenic mutation, located in coding exon 13 of the DICER1 gene, results from a deletion of one nucleotide at nucleotide position 2211, causing a translational frameshift with a predicted alternate stop codon (p.G738Efs*20). This variant is considered to be rare based on population cohorts in the Genome Aggregation Database (gnomAD). This alteration is expected to result in loss of function by premature protein truncation or nonsense-mediated mRNA decay. As such, this alteration is interpreted as a disease-causing mutation.

NM_177438.3(DICER1):c.2211del (p.Gly738fs)

Gene: DICER1 (dicer 1, ribonuclease III; minus strand). Cytogenetic location: 14q32.13.
Variant type: Deletion.
Coding change: c.2211del on transcript NM_177438.3 (MANE Select); coding-DNA position 2211, one base deleted (A; older notation c.2211delA).
Protein change: p.Gly738fs; shifts the reading frame from glycine 738.
Molecular consequence: frameshift variant. On other transcripts: non-coding transcript variant (6).
Genome position (GRCh38, 1-based): chr14:95,111,362, T deleted on the plus strand (A on the coding strand, the reverse complement: DICER1 is on the minus strand). VCF-style (leftmost placement, unchanged base first): chr14-95111361-CT-C. GRCh37 (hg19) VCF-style: chr14-95577698-CT-C.
Other names: c.2211del, p.Gly738fs (NM_001195573.1, NM_001271282.3, NM_001291628.2 and 12 more transcripts); c.1929del, p.Gly644fs (NM_001395686.1); c.1806del, p.Gly603fs (NM_001395687.1, NM_001395688.1, NM_001395689.1 and 3 more transcripts); c.1644del, p.Gly549fs (NM_001395691.1); c.528del, p.Gly177fs (NM_001395697.1); short protein forms G644fs, G738fs, G177fs, G549fs, G603fs.
Identifiers: ClinVar variation 3501855 (VCV003501855.1).